The following is an entry in ClinVar:

ClinVar aggregate classification (germline): Uncertain significance (1 of 4 stars; one submission).

Conditions:
Distal myopathy with posterior leg and anterior hand involvement. Also called: WILLIAMS DISTAL MYOPATHY. Identifiers: Orphanet 63273, MedGen C3279722, MONDO:0013550, OMIM 614065.
Hypertrophic cardiomyopathy 26. Also called: Cardiomyopathy, familial hypertrophic, 26. Identifiers: Orphanet 75249, MedGen C4310749, MONDO:0014883, OMIM 617047.
Myofibrillar myopathy 5. Also called: Filaminopathy (type); FILAMINOPATHY, AUTOSOMAL DOMINANT. Identifiers: Orphanet 171445, MedGen C1836050, MONDO:0012289, OMIM 609524.

Submission:

Labcorp Genetics (formerly Invitae), Labcorp
Classification: Uncertain significance for Distal myopathy with posterior leg and anterior hand involvement; Myofibrillar myopathy 5; Hypertrophic cardiomyopathy 26. Last evaluated: 2024-10-28. Review status: criteria provided, single submitter. Criteria: Invitae Variant Classification Sherloc (09022015). Collection method: clinical testing. Allele origin: germline.
Comment: This sequence change replaces aspartic acid, which is acidic and polar, with tyrosine, which is neutral and polar, at codon 2659 of the FLNC protein (p.Asp2659Tyr). This variant is not present in population databases (gnomAD no frequency). This variant has not been reported in the literature in individuals affected with FLNC-related conditions. Invitae Evidence Modeling of protein sequence and biophysical properties (such as structural, functional, and spatial information, amino acid conservation, physicochemical variation, residue mobility, and thermodynamic stability) indicates that this missense variant is not expected to disrupt FLNC protein function with a negative predictive value of 95%. In summary, the available evidence is currently insufficient to determine the role of this variant in disease. Therefore, it has been classified as a Variant of Uncertain Significance.

NM_001458.5(FLNC):c.7975G>T (p.Asp2659Tyr)

Genes: FLNC-AS1 (FLNC antisense RNA 1; minus strand), FLNC (filamin C; plus strand). Cytogenetic location: 7q32.1.
Variant type: single nucleotide variant.
Coding change: c.7975G>T on transcript NM_001458.5 (MANE Select); coding-DNA position 7975, G replaced by T.
Protein change: p.Asp2659Tyr; replaces aspartic acid 2659 with tyrosine.
Molecular consequence: missense variant.
Genome position (GRCh38, 1-based): chr7:128,858,202, G>T. VCF-style: chr7-128858202-G-T. GRCh37 (hg19) VCF-style: chr7-128498256-G-T.
Other names: c.7876G>T, p.Asp2626Tyr (NM_001127487.2); short protein forms D2626Y, D2659Y.
Identifiers: ClinVar variation 3758025 (VCV003758025.2).